The following is an entry in ClinVar:

NM_018112.3(TMEM38B):c.112G>A (p.Gly38Arg)

Gene: TMEM38B (transmembrane protein 38B; plus strand). Cytogenetic location: 9q31.2.
Variant type: single nucleotide variant.
Coding change: c.112G>A on transcript NM_018112.3 (MANE Select); coding-DNA position 112, G replaced by A.
Protein change: p.Gly38Arg; replaces glycine 38 with arginine.
Molecular consequence: missense variant.
Genome position (GRCh38, 1-based): chr9:105,694,772, G>A. VCF-style: chr9-105694772-G-A. GRCh37 (hg19) VCF-style: chr9-108457053-G-A.
Other names: short protein forms G38R.
Identifiers: ClinVar variation 1486796 (VCV001486796.3), dbSNP rs551789806, ClinGen allele CA5170772.

ClinVar aggregate classification (germline): Uncertain significance (1 of 4 stars; one submission).

Allele frequency attached by ClinVar (database versions not stated): gnomAD 0.00001 and 0.00005; TOPMed 0.00002; gnomAD exomes 0.00017; ExAC 0.00019; 1000 Genomes Project 30x 0.00047; 1000 Genomes Project 0.00060.

Submission:

Labcorp Genetics (formerly Invitae), Labcorp
Classification: Uncertain significance. Last evaluated: 2022-06-20. Review status: criteria provided, single submitter. Criteria: Invitae Variant Classification Sherloc (09022015). Collection method: clinical testing. Allele origin: germline.
Comment: This sequence change replaces glycine, which is neutral and non-polar, with arginine, which is basic and polar, at codon 38 of the TMEM38B protein (p.Gly38Arg). This variant also falls at the last nucleotide of exon 1, which is part of the consensus splice site for this exon. This variant is present in population databases (rs551789806, gnomAD 0.1%), including at least one homozygous and/or hemizygous individual. This variant has not been reported in the literature in individuals affected with TMEM38B-related conditions. Algorithms developed to predict the effect of missense changes on protein structure and function are either unavailable or do not agree on the potential impact of this missense change (SIFT: "Deleterious"; PolyPhen-2: "Possibly Damaging"; Align-GVGD: "Class C0"). Variants that disrupt the consensus splice site are a relatively common cause of aberrant splicing (PMID: 17576681, 9536098). Algorithms developed to predict the effect of sequence changes on RNA splicing suggest that this variant may create or strengthen a splice site. In summary, the available evidence is currently insufficient to determine the role of this variant in disease. Therefore, it has been classified as a Variant of Uncertain Significance.

Literature cited by the submitters: PubMed 17576681; PubMed 9536098.